The following is an entry in ClinVar:

NM_004100.5(EYA4):c.*1350G>A

Genes: TARID (TCF21 antisense RNA inducing promoter demethylation; minus strand), EYA4 (EYA transcriptional coactivator and phosphatase 4; plus strand). Cytogenetic location: 6q23.2.
Variant type: single nucleotide variant.
Coding change: c.*1350G>A on transcript NM_004100.5 (MANE Select); 1350 bases downstream of the stop codon, G replaced by A.
Molecular consequence: 3 prime UTR variant.
Genome position (GRCh38, 1-based): chr6:133,530,155, G>A. VCF-style: chr6-133530155-G-A. GRCh37 (hg19) VCF-style: chr6-133851293-G-A.
Other names: c.*1350G>A (NM_001301012.2, NM_001301013.2, NM_001370458.1 and 3 more transcripts).
Identifiers: ClinVar variation 355454 (VCV000355454.5), dbSNP rs553570769, ClinGen allele CA10622998.

ClinVar aggregate classification (germline): Conflicting classifications of pathogenicity. Review status: criteria provided, conflicting classifications (1 of 4 stars). 2 submissions from 1 submitter: Uncertain significance (1); Likely benign (1). Last evaluated 2018-01-13.

Conditions:
Dilated cardiomyopathy 1J (CMD1J). Also called: CARDIOMYOPATHY, DILATED, WITH SENSORINEURAL HEARING LOSS, AUTOSOMAL DOMINANT. Identifiers: Orphanet 217622, MedGen C1854368, MONDO:0011541, OMIM 605362.
Autosomal dominant nonsyndromic hearing loss 10. Identifiers: Orphanet 90635, MedGen C1832476, MONDO:0011031, OMIM 601316.

Allele frequency attached by ClinVar (database versions not stated): gnomAD 0.00018 and 0.00038; gnomAD exomes 0.00028; TOPMed 0.00032; 1000 Genomes Project 30x 0.00094; 1000 Genomes Project 0.00120.
gnomAD v4.1: 295 of 985,348 alleles (0.03%); highest among the groups gnomAD compares: South Asian, 0.76%; 1 homozygote.

Submissions (2):

Illumina Laboratory Services, Illumina
Classification: Likely benign for Autosomal dominant nonsyndromic hearing loss 10. Last evaluated: 2018-01-13. Review status: criteria provided, single submitter. Criteria: ICSL Variant Classification Criteria 13 December 2019. Collection method: clinical testing. Allele origin: germline.
Comment: This variant was observed in the ICSL laboratory as part of a predisposition screen in an ostensibly healthy population. It had not been previously curated by ICSL or reported in the Human Gene Mutation Database (HGMD: prior to June 1st, 2018), and was therefore a candidate for classification through an automated scoring system. Utilizing variant allele frequency, disease prevalence and penetrance estimates, and inheritance mode, an automated score was calculated to assess if this variant is too frequent to cause the disease. Based on the score and internal cut-off values, a variant classified as likely benign is not then subjected to further curation. The score for this variant resulted in a classification of likely benign for this disease.

Illumina Laboratory Services, Illumina
Classification: Uncertain significance for Dilated cardiomyopathy 1J. Last evaluated: 2018-01-13. Review status: criteria provided, single submitter. Criteria: ICSL Variant Classification Criteria 13 December 2019. Collection method: clinical testing. Allele origin: germline.